The following is an entry in ClinVar:

NM_002635.4(SLC25A3):c.11C>T (p.Ser4Phe)

Gene: SLC25A3 (solute carrier family 25 member 3; plus strand). Cytogenetic location: 12q23.1.
Variant type: single nucleotide variant.
Coding change: c.11C>T on transcript NM_002635.4 (MANE Select); coding-DNA position 11, C replaced by T.
Protein change: p.Ser4Phe; replaces serine 4 with phenylalanine.
Molecular consequence: missense variant.
Genome position (GRCh38, 1-based): chr12:98,593,989, C>T. VCF-style: chr12-98593989-C-T. GRCh37 (hg19) VCF-style: chr12-98987767-C-T.
Other names: c.11C>T, p.Ser4Phe (NM_005888.4, NM_213611.3); short protein forms S4F.
Identifiers: ClinVar variation 2107833 (VCV002107833.4), dbSNP rs771945609, ClinGen allele CA386161497.

ClinVar aggregate classification (germline): Uncertain significance (1 of 4 stars; one submission).

Submission:

Labcorp Genetics (formerly Invitae), Labcorp
Classification: Uncertain significance. Last evaluated: 2022-11-08. Review status: criteria provided, single submitter. Criteria: Invitae Variant Classification Sherloc (09022015). Collection method: clinical testing. Allele origin: germline.
Comment: This variant has not been reported in the literature in individuals affected with SLC25A3-related conditions. This sequence change replaces serine, which is neutral and polar, with phenylalanine, which is neutral and non-polar, at codon 4 of the SLC25A3 protein (p.Ser4Phe). This variant is not present in population databases (gnomAD no frequency). Algorithms developed to predict the effect of missense changes on protein structure and function are either unavailable or do not agree on the potential impact of this missense change (SIFT: "Deleterious"; PolyPhen-2: "Possibly Damaging"; Align-GVGD: "Class C0"). In summary, the available evidence is currently insufficient to determine the role of this variant in disease. Therefore, it has been classified as a Variant of Uncertain Significance.